The following is an entry in ClinVar:

NM_005911.6(MAT2A):c.549A>G (p.Gln183=)

Genes: GGCX (gamma-glutamyl carboxylase; minus strand), MAT2A (methionine adenosyltransferase 2A; plus strand). Cytogenetic location: 2p11.2.
Variant type: single nucleotide variant.
Coding change: c.549A>G on transcript NM_005911.6 (MANE Select); coding-DNA position 549, A replaced by G.
Protein change: p.Gln183=; no amino-acid change (glutamine 183 retained).
Molecular consequence: synonymous variant.
Genome position (GRCh38, 1-based): chr2:85,541,972, A>G. VCF-style: chr2-85541972-A-G. GRCh37 (hg19) VCF-style: chr2-85769095-A-G.
Identifiers: ClinVar variation 1991473 (VCV001991473.4), dbSNP rs1573308434, ClinGen allele CA427439287.

ClinVar aggregate classification (germline): Uncertain significance (1 of 4 stars; one submission).

Conditions:
Familial thoracic aortic aneurysm and aortic dissection (TAAD). Also called: Thoracic aortic aneurysms and dissections. Identifiers: Orphanet 91387, MedGen C4707243, MONDO:0019625.

Allele frequency attached by ClinVar (database versions not stated): gnomAD exomes below 0.00001.
gnomAD v4.1: 3 of 1,612,128 alleles (0.00019%); highest among the groups gnomAD compares: Non-Finnish European, 0.00025%; no homozygotes.

Submission:

Labcorp Genetics (formerly Invitae), Labcorp
Classification: Uncertain significance for Familial thoracic aortic aneurysm and aortic dissection. Last evaluated: 2022-06-27. Review status: criteria provided, single submitter. Criteria: Invitae Variant Classification Sherloc (09022015). Collection method: clinical testing. Allele origin: germline.
Comment: This sequence change affects codon 183 of the MAT2A mRNA. It is a 'silent' change, meaning that it does not change the encoded amino acid sequence of the MAT2A protein. It affects a nucleotide within the consensus splice site. This variant is not present in population databases (gnomAD no frequency). This variant has not been reported in the literature in individuals affected with MAT2A-related conditions. Algorithms developed to predict the effect of sequence changes on RNA splicing suggest that this variant is not likely to affect RNA splicing. In summary, the available evidence is currently insufficient to determine the role of this variant in disease. Therefore, it has been classified as a Variant of Uncertain Significance.